The following is an entry in ClinVar:

ClinVar aggregate classification (germline): Uncertain significance. Review status: criteria provided, multiple submitters, no conflicts (2 of 4 stars). 3 submissions from 3 submitters: Uncertain significance (3). Last evaluated 2025-07-18.

Conditions:
Dilated cardiomyopathy 1GG (CMD1GG). Identifiers: Orphanet 154, MedGen C3150898, MONDO:0013339, OMIM 613642.
Neurodegeneration with ataxia and late-onset optic atrophy. Identifiers: MedGen C5543254, MONDO:0031006, OMIM 619259.
Mitochondrial complex II deficiency, nuclear type 1. Also called: SUCCINATE CoQ REDUCTASE DEFICIENCY. Identifiers: Orphanet 3208, MedGen C5700310, MONDO:0100294, OMIM 252011.
Pheochromocytoma/paraganglioma syndrome 5. Also called: Paragangliomas 5; SDHA-Related Hereditary Paraganglioma-Pheochromocytoma Syndrome. Identifiers: Orphanet 29072, MedGen C3279992, MONDO:0013602, OMIM 614165.
Hereditary cancer-predisposing syndrome. Also called: Neoplastic Syndromes, Hereditary; Tumor predisposition; Hereditary neoplastic syndrome; Hereditary Cancer Syndrome. Identifiers: Orphanet 140162, MedGen C0027672, MeSH D009386, MONDO:0015356.

Allele frequency attached by ClinVar (database versions not stated): gnomAD exomes below 0.00001; gnomAD 0.00001; TOPMed 0.00001.

Submissions (3):

Ambry Genetics
Classification: Uncertain significance for Hereditary cancer-predisposing syndrome. Last evaluated: 2025-07-18. Review status: criteria provided, single submitter. Criteria: Ambry Variant Classification Scheme 2023. Collection method: clinical testing. Allele origin: germline.
Comment: The p.N650S variant (also known as c.1949A>G), located in coding exon 15 of the SDHA gene, results from an A to G substitution at nucleotide position 1949. The asparagine at codon 650 is replaced by serine, an amino acid with highly similar properties. This variant was reported in individual(s) with features consistent with SDHA-related hereditary pheochromocytoma-paraganglioma (Ambry internal data). This amino acid position is not well conserved in available vertebrate species. In addition, this alteration is predicted to be tolerated by in silico analysis. Based on the available evidence, the clinical significance of this variant remains unclear.

Labcorp Genetics (formerly Invitae), Labcorp
Classification: Uncertain significance for Pheochromocytoma/paraganglioma syndrome 5; Mitochondrial complex II deficiency, nuclear type 1. Last evaluated: 2025-04-22. Review status: criteria provided, single submitter. Criteria: Invitae Variant Classification Sherloc (09022015). Collection method: clinical testing. Allele origin: germline.
Comment: This sequence change replaces asparagine, which is neutral and polar, with serine, which is neutral and polar, at codon 650 of the SDHA protein (p.Asn650Ser). This variant is present in population databases (no rsID available, gnomAD 0.007%). This variant has not been reported in the literature in individuals affected with SDHA-related conditions. ClinVar contains an entry for this variant (Variation ID: 640960). Invitae Evidence Modeling of protein sequence and biophysical properties (such as structural, functional, and spatial information, amino acid conservation, physicochemical variation, residue mobility, and thermodynamic stability) indicates that this missense variant is not expected to disrupt SDHA protein function with a negative predictive value of 95%. In summary, the available evidence is currently insufficient to determine the role of this variant in disease. Therefore, it has been classified as a Variant of Uncertain Significance.

Fulgent Genetics
Classification: Uncertain significance for Mitochondrial complex II deficiency, nuclear type 1; Dilated cardiomyopathy 1GG; Pheochromocytoma/paraganglioma syndrome 5; Neurodegeneration with ataxia and late-onset optic atrophy. Last evaluated: 2021-11-02. Review status: criteria provided, single submitter. Criteria: ACMG Guidelines, 2015. Collection method: clinical testing. Allele origin: unknown.

NM_004168.4(SDHA):c.1949A>G (p.Asn650Ser)

Gene: SDHA (succinate dehydrogenase complex flavoprotein subunit A; plus strand). Cytogenetic location: 5p15.33.
Variant type: single nucleotide variant.
Coding change: c.1949A>G on transcript NM_004168.4 (MANE Select); coding-DNA position 1949, A replaced by G.
Protein change: p.Asn650Ser; replaces asparagine 650 with serine.
Molecular consequence: missense variant.
Genome position (GRCh38, 1-based): chr5:256,374, A>G. VCF-style: chr5-256374-A-G. GRCh37 (hg19) VCF-style: chr5-256489-A-G.
Other names: c.1805A>G, p.Asn602Ser (NM_001294332.2); c.1706A>G, p.Asn569Ser (NM_001330758.2); short protein forms N650S, N569S, N602S.
Identifiers: ClinVar variation 640960 (VCV000640960.12), dbSNP rs1485747007, ClinGen allele CA359002888.